The following is an entry in ClinVar:

NM_001267550.2(TTN):c.1513C>T (p.Gln505Ter)

Gene: TTN (titin; minus strand). Cytogenetic location: 2q31.2.
Variant type: single nucleotide variant.
Coding change: c.1513C>T on transcript NM_001267550.2 (MANE Select); coding-DNA position 1513, C replaced by T.
Protein change: p.Gln505Ter; replaces glutamine 505 with a stop codon.
Molecular consequence: nonsense.
Genome position (GRCh38, 1-based): chr2:178,793,427, G>A on the plus strand (C>T on the coding strand, the complement: TTN is on the minus strand). VCF-style: chr2-178793427-G-A. GRCh37 (hg19) VCF-style: chr2-179658154-G-A.
Other names: p.Q505*:CAG>TAG; c.1513C>T, p.Gln505Ter (NM_003319.4, NM_133378.4, NM_133379.5 and 3 more transcripts); short protein forms Q505*.
Identifiers: ClinVar variation 202362 (VCV000202362.4), dbSNP rs794729257, ClinGen allele CA309201.

ClinVar aggregate classification (germline): Conflicting classifications of pathogenicity. Review status: criteria provided, conflicting classifications (1 of 4 stars). 2 submissions from 2 submitters: Likely pathogenic (1); Uncertain significance (1). Last evaluated 2024-02-09.

Conditions:
Dilated cardiomyopathy 1G (CMD1G). Identifiers: Orphanet 154, MedGen C1858763, MONDO:0011400, OMIM 604145.
Autosomal recessive limb-girdle muscular dystrophy type 2J (LGMDR10). Also called: MUSCULAR DYSTROPHY, LIMB-GIRDLE, AUTOSOMAL RECESSIVE 10; Limb-girdle muscular dystrophy, type 2J. Identifiers: Orphanet 140922, MedGen C1837342, MONDO:0012127, OMIM 608807.

Submissions (2):

Labcorp Genetics (formerly Invitae), Labcorp
Classification: Likely pathogenic for Dilated cardiomyopathy 1G; Autosomal recessive limb-girdle muscular dystrophy type 2J. Last evaluated: 2024-02-09. Review status: criteria provided, single submitter. Criteria: Invitae Variant Classification Sherloc (09022015). Collection method: clinical testing. Allele origin: germline.
Comment: This sequence change creates a premature translational stop signal (p.Gln505*) in the TTN gene. While this is not anticipated to result in nonsense mediated decay, it is expected to create a truncated TTN protein. This variant is not present in population databases (gnomAD no frequency). This variant has not been reported in the literature in individuals affected with TTN-related conditions. ClinVar contains an entry for this variant (Variation ID: 202362). Algorithms developed to predict the effect of sequence changes on RNA splicing suggest that this variant may disrupt the consensus splice site. This variant is located in the Z band of TTN (PMID: 25589632). Truncating variants in this region have been reported in individuals affected with autosomal recessive centronuclear myopathy (PMID: 33449170, Invitae internal data). Truncating variants in this region have also been identified in individuals affected with autosomal dominant dilated cardiomyopathy and/or cardio-related conditions (PMID: 27869827, 32964742, Invitae internal data). In summary, the currently available evidence indicates that the variant is pathogenic, but additional data are needed to prove that conclusively. Therefore, this variant has been classified as Likely Pathogenic.

GeneDx
Classification: Uncertain significance. Last evaluated: 2014-04-29. Review status: criteria provided, single submitter. Criteria: GeneDx Variant Classification (06012015). Collection method: clinical testing. Allele origin: germline. Affected: yes.
Comment: p.Gln505Stop (CAG>TAG): c.1513 C>T in exon 9 of the TTN gene (NM_001256850.1). The G505X variant in the TTN gene has not been reported as a disease-causing mutation or as a benign polymorphism to our knowledge. G505X is predicted to cause loss of normal protein function either by protein truncation or nonsense-mediated mRNA decay. However, the G505X variant is not located in the A-band region of TTN, where the majority of truncating mutations associated with DCM have been reported (Herman D et al., 2012). Other truncating TTN variants have been reported in approximately 3% of control alleles (Herman D et al., 2012).Therefore, based on the currently available information, it is unclear whether this variant is a pathogenic mutation or a rare benign variant. The variant is found in DCM-CRDM panel(s).

Literature cited by the submitters: PubMed 25589632 (cited by Labcorp Genetics (formerly Invitae), Labcorp); PubMed 33449170 (cited by Labcorp Genetics (formerly Invitae), Labcorp); PubMed 27869827 (cited by Labcorp Genetics (formerly Invitae), Labcorp); PubMed 32964742 (cited by Labcorp Genetics (formerly Invitae), Labcorp).